The following is an entry in ClinVar:

NM_015346.4(ZFYVE26):c.2536T>G (p.Phe846Val)

Gene: ZFYVE26 (zinc finger FYVE-type containing 26; minus strand). Cytogenetic location: 14q24.1.
Variant type: single nucleotide variant.
Coding change: c.2536T>G on transcript NM_015346.4 (MANE Select); coding-DNA position 2536, T replaced by G.
Protein change: p.Phe846Val; replaces phenylalanine 846 with valine.
Molecular consequence: missense variant.
Genome position (GRCh38, 1-based): chr14:67,793,625, A>C on the plus strand (T>G on the coding strand, the complement: ZFYVE26 is on the minus strand). VCF-style: chr14-67793625-A-C. GRCh37 (hg19) VCF-style: chr14-68260342-A-C.
Other names: short protein forms F846V.
Identifiers: ClinVar variation 4759789 (VCV004759789.1).

ClinVar aggregate classification (germline): Uncertain significance (1 of 4 stars; one submission).

Conditions:
Spastic paraplegia. Identifiers: MedGen C0037772, HP:0001258.

Submission:

Labcorp Genetics (formerly Invitae), Labcorp
Classification: Uncertain significance for Spastic paraplegia. Last evaluated: 2025-11-23. Review status: criteria provided, single submitter. Criteria: Invitae Variant Classification Sherloc (09022015). Collection method: clinical testing. Allele origin: germline.
Comment: This sequence change replaces phenylalanine, which is neutral and non-polar, with valine, which is neutral and non-polar, at codon 846 of the ZFYVE26 protein (p.Phe846Val). This variant is present in population databases (rs761785685, gnomAD 0.0009%). This variant has not been reported in the literature in individuals affected with ZFYVE26-related conditions. An algorithm developed to predict the effect of missense changes on protein structure and function (PolyPhen-2) suggests that this variant is likely to be disruptive. In summary, the available evidence is currently insufficient to determine the role of this variant in disease. Therefore, it has been classified as a Variant of Uncertain Significance.